The following is an entry in ClinVar:

ClinVar aggregate classification (germline): Uncertain significance. Review status: criteria provided, multiple submitters, no conflicts (2 of 4 stars). 2 submissions from 2 submitters: Uncertain significance (2). Last evaluated 2025-06-12.

Conditions:
Nephrotic syndrome, type 3 (NPHS3). Also called: NEPHROTIC SYNDROME, EARLY-ONSET, TYPE 3. Identifiers: Orphanet 656, MedGen C1853124, MONDO:0012546, OMIM 610725.

Allele frequency attached by ClinVar (database versions not stated): gnomAD exomes below 0.00001; ExAC 0.00001; gnomAD 0.00001; TOPMed 0.00005.
gnomAD v4.1: 8 of 1,612,430 alleles (0.0005%); highest among the groups gnomAD compares: Admixed American, 0.0017%; no homozygotes.

Submissions (2):

Labcorp Genetics (formerly Invitae), Labcorp
Classification: Uncertain significance. Last evaluated: 2025-06-12. Review status: criteria provided, single submitter. Criteria: Invitae Variant Classification Sherloc (09022015). Collection method: clinical testing. Allele origin: germline.
Comment: This sequence change falls in intron 5 of the PLCE1 gene. It does not directly change the encoded amino acid sequence of the PLCE1 protein. This variant is not present in population databases (gnomAD no frequency). This variant has not been reported in the literature in individuals affected with PLCE1-related conditions. ClinVar contains an entry for this variant (Variation ID: 2180169). Algorithms developed to predict the effect of sequence changes on RNA splicing suggest that this variant may disrupt the consensus splice site. In summary, the available evidence is currently insufficient to determine the role of this variant in disease. Therefore, it has been classified as a Variant of Uncertain Significance.

Fulgent Genetics
Classification: Uncertain significance for Nephrotic syndrome, type 3. Last evaluated: 2024-03-20. Review status: criteria provided, single submitter. Criteria: ACMG Guidelines, 2015. Collection method: clinical testing. Allele origin: germline.

NM_016341.4(PLCE1):c.1956-4A>G

Gene: PLCE1 (phospholipase C epsilon 1; plus strand). Cytogenetic location: 10q23.33.
Variant type: single nucleotide variant.
Coding change: c.1956-4A>G on transcript NM_016341.4 (MANE Select); 4 bases into the intron before coding-DNA position 1956, A replaced by G.
Molecular consequence: intron variant.
Genome position (GRCh38, 1-based): chr10:94,234,050, A>G. VCF-style: chr10-94234050-A-G. GRCh37 (hg19) VCF-style: chr10-95993807-A-G.
Other names: c.1956-4A>G (NM_001288989.2); c.1032-4A>G (NM_001165979.2).
Identifiers: ClinVar variation 2180169 (VCV002180169.5), dbSNP rs750800869, ClinGen allele CA5612534.